The following is an entry in ClinVar:

ClinVar aggregate classification (germline): Uncertain significance (1 of 4 stars; one submission).

Conditions:
Alagille syndrome due to a NOTCH2 point mutation. Also called: Alagille syndrome 2. Identifiers: Orphanet 261629, Orphanet 52, MedGen C1857761, MONDO:0012439, OMIM 610205.

Submission:

Neuberg Centre For Genomic Medicine, NCGM
Classification: Uncertain significance for Alagille syndrome due to a NOTCH2 point mutation. Review status: criteria provided, single submitter. Criteria: ACMG Guidelines, 2015. Collection method: clinical testing. Allele origin: germline. Inheritance: Autosomal dominant inheritance. Affected: yes.
Comment: The missense variant c.19G>T p.Ala7Serin the NOTCH2 gene has not been reported previously as a pathogenic variant nor as a benign variant, to our knowledge. This variant is novel not in any individuals in gnomAD Exomes and 1000 Genomes. The amino acid Alanine at position 7 is changed to a Serine changing protein sequence and it might alter its composition and physico-chemical properties. The amino acid change p.Ala7Ser in NOTCH2 is predicted as conserved by GERP++ and PhyloP across 100 vertebrates. For these reasons, this variant has been classified as Uncertain Significance.

NM_024408.4(NOTCH2):c.19G>T (p.Ala7Ser)

Gene: NOTCH2 (notch receptor 2; minus strand). Cytogenetic location: 1p12.
Variant type: single nucleotide variant.
Coding change: c.19G>T on transcript NM_024408.4 (MANE Select); coding-DNA position 19, G replaced by T.
Protein change: p.Ala7Ser; replaces alanine 7 with serine.
Molecular consequence: missense variant.
Genome position (GRCh38, 1-based): chr1:120,069,388, C>A on the plus strand (G>T on the coding strand, the complement: NOTCH2 is on the minus strand). VCF-style: chr1-120069388-C-A. GRCh37 (hg19) VCF-style: chr1-120612002-C-A.
Other names: c.19G>T, p.Ala7Ser (NM_001200001.2); short protein forms A7S.
Identifiers: ClinVar variation 3234952 (VCV003234952.1), dbSNP rs2101452527, ClinGen allele CA341853324.